The following is an entry in ClinVar:

ClinVar aggregate classification (germline): Pathogenic (1 of 4 stars; one submission).

Conditions:
Neurofibromatosis, type 1 (NF1). Also called: NEUROFIBROMATOSIS, TYPE I, SOMATIC; Peripheral type neurofibromatosis; Neurofibromatosis, type I; VON RECKLINGHAUSEN DISEASE. Identifiers: Orphanet 636, MedGen C0027831, MONDO:0018975, OMIM 162200. Disease mechanism: loss of function.

Submission:

Regional Center For Medical Genetics Timis, Louis Turcanu Emergency Hospital for Children Timisoara
Classification: Pathogenic for Neurofibromatosis, type 1. Review status: criteria provided, single submitter. Criteria: ACMG Guidelines, 2015. Collection method: clinical testing. Allele origin: unknown. Affected: yes.
Comment: This variant is a deletion of the genomic region encompassing exon 33 of the NF1 gene. The variant introduces a premature stop codon into the sequence, leading to loss of function as a consequence of the reading frame shift. Loss-of-function variants in NF1 are well established as pathogenic. The patient's phenotype is specific for NF1. For these reasons, this variant has been classified as pathogenic.

NM_001042492.3:c.(4332+1_4333-1)_(4430+1_4431-1)del

Gene: NF1 (neurofibromin 1; plus strand).
Variant type: Deletion.
Other names: c.(4332+1_4333-1)_(4430+1_4431-1)del (NM_001042492.3).
Identifiers: ClinVar variation 4857600 (VCV004857600.1).